The following is an entry in ClinVar:

NM_000535.7(PMS2):c.2339C>T (p.Pro780Leu)

Gene: PMS2 (PMS1 homolog 2, mismatch repair system component; minus strand). Cytogenetic location: 7p22.1.
Variant type: single nucleotide variant.
Coding change: c.2339C>T on transcript NM_000535.7 (MANE Select); coding-DNA position 2339, C replaced by T.
Protein change: p.Pro780Leu; replaces proline 780 with leucine.
Molecular consequence: missense variant. On other transcripts: non-coding transcript variant (1).
Genome position (GRCh38, 1-based): chr7:5,977,694, G>A on the plus strand (C>T on the coding strand, the complement: PMS2 is on the minus strand). VCF-style: chr7-5977694-G-A. GRCh37 (hg19) VCF-style: chr7-6017325-G-A.
Other names: c.1934C>T, p.Pro645Leu (NM_001322003.2, NM_001322004.2, NM_001322005.2); c.2183C>T, p.Pro728Leu (NM_001322006.2); c.2021C>T, p.Pro674Leu (NM_001322007.2, NM_001322008.2); c.1967C>T, p.Pro656Leu (NM_001322009.2); c.1778C>T, p.Pro593Leu (NM_001322010.2); c.1406C>T, p.Pro469Leu (NM_001322011.2, NM_001322012.2); c.1766C>T, p.Pro589Leu (NM_001322013.2); c.2372C>T, p.Pro791Leu (NM_001322014.2); and 1 more; short protein forms P469L, P589L, P593L, P645L, P656L, P674L, P677L, P728L.
Identifiers: ClinVar variation 1692464 (VCV001692464.3), dbSNP rs779971866, ClinGen allele CA047683.

ClinVar aggregate classification (germline): Uncertain significance. Review status: criteria provided, multiple submitters, no conflicts (2 of 4 stars). 3 submissions from 3 submitters: Uncertain significance (3). Last evaluated 2025-03-09.

Conditions:
Hereditary cancer-predisposing syndrome. Also called: Hereditary Cancer Syndrome; Hereditary neoplastic syndrome; Neoplastic Syndromes, Hereditary; Tumor predisposition. Identifiers: Orphanet 140162, MedGen C0027672, MeSH D009386, MONDO:0015356.
Lynch syndrome 4 (LYNCH4). Also called: Hereditary non-polyposis colorectal cancer, type 4; Colorectal cancer, hereditary nonpolyposis, type 4. Identifiers: Orphanet 144, MedGen C1838333, MONDO:0013699, OMIM 614337. Disease mechanism: loss of function.

Allele frequency attached by ClinVar (database versions not stated): gnomAD exomes below 0.00001; ExAC 0.00001.
gnomAD v4.1: 5 of 1,606,266 alleles (0.00031%); highest among the groups gnomAD compares: South Asian, 0.0011%; 1 homozygote.

Submissions (3):

Ambry Genetics
Classification: Uncertain significance for Hereditary cancer-predisposing syndrome. Last evaluated: 2025-03-09. Review status: criteria provided, single submitter. Criteria: Ambry Variant Classification Scheme 2023. Collection method: clinical testing. Allele origin: germline.
Comment: The p.P780L variant (also known as c.2339C>T), located in coding exon 14 of the PMS2 gene, results from a C to T substitution at nucleotide position 2339. The proline at codon 780 is replaced by leucine, an amino acid with similar properties. This amino acid position is conserved. In addition, the in silico prediction for this alteration is inconclusive. Based on the available evidence, the clinical significance of this variant remains unclear.

Baylor Genetics
Classification: Uncertain significance for Lynch syndrome 4. Last evaluated: 2023-11-30. Review status: criteria provided, single submitter. Criteria: ACMG Guidelines, 2015. Collection method: clinical testing. Allele origin: unknown.

Sema4
Classification: Uncertain significance for Hereditary cancer-predisposing syndrome. Last evaluated: 2021-09-03. Review status: criteria provided, single submitter. Criteria: Sema4 Curation Guidelines. Collection method: curation. Allele origin: germline.
Comment: To the best of our knowledge, the PMS2 c.2339C>T (p.P780L) variant has not been reported in individuals with PMS2-related disease. It was observed in 1/30514 chromosomes of the South Asian subpopulation in the large and broad cohorts of the Genome Aggregation Database (PMID: 32461654). The variant has not been reported in ClinVar. Functional studies have not been performed, and in silico predictions of the variant's effect on protein function are inconclusive. The evidence is insufficient to meet ACMG/AMP criteria for classifying the variant as benign or pathogenic. Thus, the clinical significance of this variant is currently uncertain.